The following is an entry in ClinVar:

NM_003873.7(NRP1):c.1531T>A (p.Phe511Ile)

Gene: NRP1 (neuropilin 1; minus strand). Cytogenetic location: 10p11.22.
Variant type: single nucleotide variant.
Coding change: c.1531T>A on transcript NM_003873.7 (MANE Select); coding-DNA position 1531, T replaced by A.
Protein change: p.Phe511Ile; replaces phenylalanine 511 with isoleucine.
Molecular consequence: missense variant. On other transcripts: non-coding transcript variant (1).
Genome position (GRCh38, 1-based): chr10:33,213,469, A>T on the plus strand (T>A on the coding strand, the complement: NRP1 is on the minus strand). VCF-style: chr10-33213469-A-T. GRCh37 (hg19) VCF-style: chr10-33502397-A-T.
Other names: c.1531T>A, p.Phe511Ile (NM_001024628.3, NM_001024629.3, NM_001244972.2 and 2 more transcripts); short protein forms F511I.
Identifiers: ClinVar variation 4993485 (VCV004993485.1).

ClinVar aggregate classification (germline): Uncertain significance (1 of 4 stars; one submission).

Conditions:
NRP1-related disorder. Also called: NRP1-related condition.

gnomAD v4.1: 1 of 1,613,000 alleles (0.000062%); highest among the groups gnomAD compares: African/African-American, 0.0013%; no homozygotes.

Submission:

PreventionGenetics, part of Exact Sciences
Classification: Uncertain significance for NRP1-related condition. Last evaluated: 2025-11-18. Review status: criteria provided, single submitter. Criteria: ACMG Guidelines, 2015. Collection method: clinical testing. Allele origin: germline.
Comment: The NRP1 c.1531T>A variant is predicted to result in the amino acid substitution p.Phe511Ile. To our knowledge, this variant has not been reported in the literature or in a large population database (gnomAD), indicating this variant is rare. At this time, the clinical significance of this variant is uncertain due to the absence of conclusive functional and genetic evidence.